The following is an entry in ClinVar:

ClinVar aggregate classification (germline): Uncertain significance. Review status: criteria provided, single submitter (1 of 4 stars). 2 submissions from 2 submitters: Uncertain significance (1). 1 of the submissions does not count toward it. Last evaluated 2025-07-09.

Conditions:
Intellectual developmental disorder, X-linked, syndromic, Turner type. Also called: X-linked intellectual disability, Turner type; Intellectual disability, X-linked syndromic, Turner type. Identifiers: Orphanet 3056, Orphanet 85328, MedGen C2678046, MONDO:0010407, OMIM 309590.

Allele frequency attached by ClinVar (database versions not stated): gnomAD exomes 0.00002.
gnomAD v4.1: 20 of 1,210,886 alleles (0.0017%); highest among the groups gnomAD compares: Non-Finnish European, 0.0022%; no homozygotes.

Submissions (2):

Labcorp Genetics (formerly Invitae), Labcorp
Classification: Uncertain significance. Last evaluated: 2025-07-09. Review status: criteria provided, single submitter. Criteria: Invitae Variant Classification Sherloc (09022015). Collection method: clinical testing. Allele origin: germline.
Comment: This sequence change replaces arginine, which is basic and polar, with cysteine, which is neutral and slightly polar, at codon 1996 of the HUWE1 protein (p.Arg1996Cys). This variant is not present in population databases (gnomAD no frequency). This variant has not been reported in the literature in individuals affected with HUWE1-related conditions. ClinVar contains an entry for this variant (Variation ID: 828162). Invitae Evidence Modeling of protein sequence and biophysical properties (such as structural, functional, and spatial information, amino acid conservation, physicochemical variation, residue mobility, and thermodynamic stability) indicates that this missense variant is expected to disrupt HUWE1 protein function with a positive predictive value of 80%. In summary, the available evidence is currently insufficient to determine the role of this variant in disease. Therefore, it has been classified as a Variant of Uncertain Significance.

Biochemical Molecular Genetic Laboratory, King Abdulaziz Medical City
Classification: Uncertain significance for Intellectual developmental disorder, X-linked, syndromic, Turner type. Last evaluated: 2020-02-05. Review status: no assertion criteria provided. Collection method: clinical testing. Allele origin: germline. Affected: yes. Not counted in ClinVar's aggregate classification.

NM_031407.7(HUWE1):c.5986C>T (p.Arg1996Cys)

Gene: HUWE1 (HECT, UBA and WWE domain containing E3 ubiquitin protein ligase 1; minus strand). Cytogenetic location: Xp11.22.
Variant type: single nucleotide variant.
Coding change: c.5986C>T on transcript NM_031407.7 (MANE Select); coding-DNA position 5986, C replaced by T.
Protein change: p.Arg1996Cys; replaces arginine 1996 with cysteine.
Molecular consequence: missense variant.
Genome position (GRCh38, 1-based): chrX:53,575,687, G>A on the plus strand (C>T on the coding strand, the complement: HUWE1 is on the minus strand). VCF-style: chrX-53575687-G-A. GRCh37 (hg19) VCF-style: chrX-53602647-G-A.
Other names: short protein forms R1996C.
Identifiers: ClinVar variation 828162 (VCV000828162.5), dbSNP rs1602749982, ClinGen allele CA413170836.